The following is an entry in ClinVar:

NM_001378414.1(HDAC4):c.1739A>C (p.Glu580Ala)

Gene: HDAC4 (histone deacetylase 4; minus strand). Cytogenetic location: 2q37.3.
Variant type: single nucleotide variant.
Coding change: c.1739A>C on transcript NM_001378414.1 (MANE Select); coding-DNA position 1739, A replaced by C.
Protein change: p.Glu580Ala; replaces glutamic acid 580 with alanine.
Molecular consequence: missense variant.
Genome position (GRCh38, 1-based): chr2:239,115,105, T>G on the plus strand (A>C on the coding strand, the complement: HDAC4 is on the minus strand). VCF-style: chr2-239115105-T-G. GRCh37 (hg19) VCF-style: chr2-240036801-T-G.
Other names: c.1739A>C, p.Glu580Ala (NM_001378415.1); c.1724A>C, p.Glu575Ala (NM_001378416.1, NM_001378417.1, NM_006037.4); short protein forms E580A, E575A.
Identifiers: ClinVar variation 1810612 (VCV001810612.1), dbSNP rs1303655936, ClinGen allele CA351268646.
Genomic context (GRCh38, chr2:239,115,105, plus strand): 5'-GCGGTCACCTGTCTGAAGAGCAGCTCCTGCTCACTGGGCTGGCGCTGGCCCGGCTCCACC[T>G]CCCGTGGGGGCTCTGCCTCTTCCTCATCGCTCTCAATGGGCTCCTGCTTCACCTGCACGC-3'
Protein context (NP_001365343.1, residues 570-590): SDEEEAEPPR[Glu580Ala]VEPGQRQPSE

ClinVar aggregate classification (germline): Uncertain significance (1 of 4 stars; one submission).

Submission:

GeneDx
Classification: Uncertain significance. Last evaluated: 2022-07-06. Review status: criteria provided, single submitter. Criteria: GeneDx Variant Classification Process June 2021. Collection method: clinical testing. Allele origin: germline. Affected: yes.
Comment: Not observed at significant frequency in large population cohorts (gnomAD); In silico analysis supports that this missense variant has a deleterious effect on protein structure/function; Has not been previously published as pathogenic or benign to our knowledge